The following is an entry in ClinVar:

ClinVar aggregate classification (germline): Pathogenic (1 of 4 stars; one submission).

Conditions:
Nemaline myopathy 2 (NEM2). Also called: Nemaline myopathy 2, autosomal recessive. Identifiers: MedGen C1850569, MONDO:0009725, OMIM 256030.

Submission:

Labcorp Genetics (formerly Invitae), Labcorp
Classification: Pathogenic for Nemaline myopathy 2. Last evaluated: 2022-12-05. Review status: criteria provided, single submitter. Criteria: Invitae Variant Classification Sherloc (09022015). Collection method: clinical testing. Allele origin: germline.
Comment: This sequence change creates a premature translational stop signal (p.Ser2686Valfs*33) in the NEB gene. It is expected to result in an absent or disrupted protein product. Loss-of-function variants in NEB are known to be pathogenic (PMID: 25205138). For these reasons, this variant has been classified as Pathogenic. This variant has not been reported in the literature in individuals affected with NEB-related conditions. This variant is not present in population databases (gnomAD no frequency).

Literature cited by the submitters: PubMed 25205138.

NM_001164508.2(NEB):c.8056del (p.Ser2686fs)

Gene: NEB (nebulin; minus strand). Cytogenetic location: 2q23.3.
Variant type: Deletion.
Coding change: c.8056del on transcript NM_001164508.2 (MANE Select); coding-DNA position 8056, one base deleted (A; older notation c.8056delA).
Protein change: p.Ser2686fs; shifts the reading frame from serine 2686.
Molecular consequence: frameshift variant.
Genome position (GRCh38, 1-based): chr2:151,643,254, T deleted on the plus strand (A on the coding strand, the reverse complement: NEB is on the minus strand). VCF-style (leftmost placement, unchanged base first): chr2-151643253-CT-C. GRCh37 (hg19) VCF-style: chr2-152499767-CT-C.
Other names: c.8056del, p.Ser2686fs (NM_001164507.2, NM_001271208.2, NM_004543.5); short protein forms S2686fs.
Identifiers: ClinVar variation 2818703 (VCV002818703.3), dbSNP rs2552246978, ClinGen allele CA2739271404.